The following is an entry in ClinVar:

ClinVar aggregate classification (germline): Uncertain significance. Review status: criteria provided, multiple submitters, no conflicts (2 of 4 stars). 2 submissions from 2 submitters: Uncertain significance (2). Last evaluated 2025-06-08.

Conditions:
Arrhythmogenic cardiomyopathy with wooly hair and keratoderma. Also called: Dilated cardiomyopathy with woolly hair and keratoderma; PALMOPLANTAR KERATODERMA WITH LEFT VENTRICULAR CARDIOMYOPATHY AND WOOLLY HAIR; Arrhythmogenic cardiomyopathy with woolly hair and keratoderma; Carvajal syndrome. Identifiers: Orphanet 65282, MedGen C1854063, MONDO:0011581, OMIM 605676.
Arrhythmogenic right ventricular dysplasia 8 (ARVD8). Also called: Arrhythmogenic Right Ventricular Dysplasia/Cardiomyopathy 8; ARRHYTHMOGENIC RIGHT VENTRICULAR DYSPLASIA, FAMILIAL, 8; ARRHYTHMOGENIC RIGHT VENTRICULAR CARDIOMYOPATHY 8. Identifiers: MedGen C1843896, MONDO:0011831, OMIM 607450.

Submissions (2):

Labcorp Genetics (formerly Invitae), Labcorp
Classification: Uncertain significance for Arrhythmogenic cardiomyopathy with wooly hair and keratoderma; Arrhythmogenic right ventricular dysplasia 8. Last evaluated: 2025-06-08. Review status: criteria provided, single submitter. Criteria: Invitae Variant Classification Sherloc (09022015). Collection method: clinical testing. Allele origin: germline.
Comment: This sequence change replaces leucine, which is neutral and non-polar, with proline, which is neutral and non-polar, at codon 463 of the DSP protein (p.Leu463Pro). This variant is not present in population databases (gnomAD no frequency). This variant has not been reported in the literature in individuals affected with DSP-related conditions. ClinVar contains an entry for this variant (Variation ID: 870076). An algorithm developed to predict the effect of missense changes on protein structure and function (PolyPhen-2) suggests that this variant is likely to be disruptive. In summary, the available evidence is currently insufficient to determine the role of this variant in disease. Therefore, it has been classified as a Variant of Uncertain Significance.

Agnes Ginges Centre for Molecular Cardiology, Centenary Institute
Classification: Uncertain significance. Last evaluated: 2018-06-07. Review status: criteria provided, single submitter. Criteria: ACMG Guidelines, 2015. Collection method: research. Allele origin: germline. Inheritance: Autosomal dominant inheritance. Affected: yes.
Comment: This variant has been identified as part of our research program. For further information please feel free to contact us.

NM_004415.4(DSP):c.1388T>C (p.Leu463Pro)

Gene: DSP (desmoplakin; plus strand). Cytogenetic location: 6p24.3.
Variant type: single nucleotide variant.
Coding change: c.1388T>C on transcript NM_004415.4 (MANE Select); coding-DNA position 1388, T replaced by C.
Protein change: p.Leu463Pro; replaces leucine 463 with proline.
Molecular consequence: missense variant.
Genome position (GRCh38, 1-based): chr6:7,568,558, T>C. VCF-style: chr6-7568558-T-C. GRCh37 (hg19) VCF-style: chr6-7568791-T-C.
Other names: c.1388T>C, p.Leu463Pro (NM_001008844.3, NM_001319034.2); short protein forms L463P.
Identifiers: ClinVar variation 870076 (VCV000870076.2), dbSNP rs1758934036, ClinGen allele CA362676681.
Genomic context (GRCh38, chr6:7,568,558, plus strand): 5'-AGAAGATTGTACAGCTGAAGCCTCGTAACCCAGACTACAGAAGCAATAAACCCATTATTC[T>C]CAGAGCTCTCTGTGACTACAAACAAGATCAGGTGTGTACTCATTTAGAATGATACAAAAG-3'
Protein context (NP_004406.2, residues 453-473): PDYRSNKPII[Leu463Pro]RALCDYKQDQ